The following is an entry in ClinVar:

NM_005334.3(HCFC1):c.3490T>C (p.Ser1164Pro)

Gene: HCFC1 (host cell factor C1; minus strand). Cytogenetic location: Xq28.
Variant type: single nucleotide variant.
Coding change: c.3490T>C on transcript NM_005334.3 (MANE Select); coding-DNA position 3490, T replaced by C.
Protein change: p.Ser1164Pro; replaces serine 1164 with proline.
Molecular consequence: missense variant.
Genome position (GRCh38, 1-based): chrX:153,954,909, A>G on the plus strand (T>C on the coding strand, the complement: HCFC1 is on the minus strand). VCF-style: chrX-153954909-A-G. GRCh37 (hg19) VCF-style: chrX-153220360-A-G.
Other names: short protein forms S1164P.
Identifiers: ClinVar variation 95278 (VCV000095278.22), dbSNP rs1051152, ClinGen allele CA148377.

ClinVar aggregate classification (germline): Benign/Likely benign. Review status: criteria provided, multiple submitters, no conflicts (2 of 4 stars). 8 submissions from 8 submitters: Benign (6); Likely benign (1). 1 of the submissions does not count toward it. Last evaluated 2026-02-04.

Conditions:
Methylmalonic acidemia with homocystinuria, type cblX (MAHCX). Also called: INTELLECTUAL DEVELOPMENTAL DISORDER, X-LINKED 3. Identifiers: Orphanet 369962, MedGen C0796208, MONDO:0010657, OMIM 309541.

Allele frequency attached by ClinVar (database versions not stated): 1000 Genomes Project 0.58596; gnomAD 0.37778 and 0.38460; ExAC 0.50081; 1000 Genomes Project 30x 0.58398; ESP Exome Variant Server 0.34239; TOPMed 0.42331.
gnomAD v4.1: 295,336 of 1,169,617 alleles (25%); highest among the groups gnomAD compares: East Asian, 75%; 37,426 homozygotes.

Submissions (8):

Labcorp Genetics (formerly Invitae), Labcorp
Classification: Benign for Methylmalonic acidemia with homocystinuria, type cblX. Last evaluated: 2026-02-04. Review status: criteria provided, single submitter. Criteria: Invitae Variant Classification Sherloc (09022015). Collection method: clinical testing. Allele origin: germline.

Women's Health and Genetics/Laboratory Corporation of America, LabCorp
Classification: Likely benign. Last evaluated: 2025-11-14. Review status: criteria provided, single submitter. Criteria: LabCorp Variant Classification Summary - May 2015. Collection method: clinical testing. Allele origin: germline.

Mayo Clinic Laboratories, Mayo Clinic
Classification: Benign. Last evaluated: 2021-11-19. Review status: criteria provided, single submitter. Criteria: ACMG Guidelines, 2015. Collection method: clinical testing. Allele origin: germline. Observed: 303 variant alleles.

Genome-Nilou Lab
Classification: Benign for Methylmalonic acidemia with homocystinuria, type cblX. Last evaluated: 2021-08-10. Review status: criteria provided, single submitter. Criteria: ACMG Guidelines, 2015. Collection method: clinical testing. Allele origin: germline. Affected: no.

Eurofins Ntd Llc (ga)
Classification: Benign. Last evaluated: 2016-03-31. Review status: criteria provided, single submitter. Criteria: EGL Classification Definitions 2015. Collection method: clinical testing. Allele origin: germline. Observed: 11 variant alleles, 1 heterozygote, 10 hemizygotes.

GeneDx
Classification: Benign. Last evaluated: 2015-12-02. Review status: criteria provided, single submitter. Criteria: GeneDx Variant Classification (06012015). Collection method: clinical testing. Allele origin: germline. Affected: yes.
Comment: This variant is considered likely benign or benign based on one or more of the following criteria: it is a conservative change, it occurs at a poorly conserved position in the protein, it is predicted to be benign by multiple in silico algorithms, and/or has population frequency not consistent with disease.

Breakthrough Genomics
Classification: Benign. Review status: criteria provided, single submitter. Criteria: ACMG Guidelines, 2015. Collection method: not provided. Allele origin: germline. Inheritance: X-linked inheritance. Affected: yes.

Genetic Services Laboratory, University of Chicago
Classification: Likely benign for AllHighlyPenetrant. Review status: no assertion criteria provided. Collection method: clinical testing. Allele origin: germline. Inheritance: X-linked inheritance. Not counted in ClinVar's aggregate classification.
Comment: Likely benign based on allele frequency in 1000 Genomes Project or ESP global frequency and its presence in a patient with a rare or unrelated disease phenotype. NOT Sanger confirmed.